The following is an entry in ClinVar:

NM_015072.5(TTLL5):c.512C>G (p.Ser171Trp)

Gene: TTLL5 (tubulin tyrosine ligase like 5; plus strand). Cytogenetic location: 14q24.3.
Variant type: single nucleotide variant.
Coding change: c.512C>G on transcript NM_015072.5 (MANE Select); coding-DNA position 512, C replaced by G.
Protein change: p.Ser171Trp; replaces serine 171 with tryptophan.
Molecular consequence: missense variant.
Genome position (GRCh38, 1-based): chr14:75,699,197, C>G. VCF-style: chr14-75699197-C-G. GRCh37 (hg19) VCF-style: chr14-76165540-C-G.
Other names: short protein forms S171W.
Identifiers: ClinVar variation 1491761 (VCV001491761.6), dbSNP rs755712371, ClinGen allele CA390455538.

ClinVar aggregate classification (germline): Uncertain significance (1 of 4 stars; one submission).

Allele frequency attached by ClinVar (database versions not stated): gnomAD 0.00001.
gnomAD v4.1: 5 of 1,613,488 alleles (0.00031%); highest among the groups gnomAD compares: Middle Eastern, 0.016%; no homozygotes.

Submission:

Labcorp Genetics (formerly Invitae), Labcorp
Classification: Uncertain significance. Last evaluated: 2021-11-02. Review status: criteria provided, single submitter. Criteria: Invitae Variant Classification Sherloc (09022015). Collection method: clinical testing. Allele origin: germline.
Comment: In summary, the available evidence is currently insufficient to determine the role of this variant in disease. Therefore, it has been classified as a Variant of Uncertain Significance. Algorithms developed to predict the effect of missense changes on protein structure and function are either unavailable or do not agree on the potential impact of this missense change (SIFT: "Deleterious"; PolyPhen-2: "Possibly Damaging"; Align-GVGD: "Class C0"). This variant has not been reported in the literature in individuals affected with TTLL5-related conditions. This variant is not present in population databases (gnomAD no frequency). This sequence change replaces serine, which is neutral and polar, with tryptophan, which is neutral and slightly polar, at codon 171 of the TTLL5 protein (p.Ser171Trp).